The following is an entry in ClinVar:

NM_004366.6(CLCN2):c.772+4G>A

Gene: CLCN2 (chloride voltage-gated channel 2; minus strand). Cytogenetic location: 3q27.1.
Variant type: single nucleotide variant.
Coding change: c.772+4G>A on transcript NM_004366.6 (MANE Select); 4 bases into the intron after coding-DNA position 772, G replaced by A.
Molecular consequence: intron variant.
Genome position (GRCh38, 1-based): chr3:184,357,616, C>T on the plus strand (G>A on the coding strand, the complement: CLCN2 is on the minus strand). VCF-style: chr3-184357616-C-T. GRCh37 (hg19) VCF-style: chr3-184075404-C-T.
Other names: c.640+4G>A (NM_001171088.3); c.772+4G>A (NM_001171087.3, NM_001171089.3).
Identifiers: ClinVar variation 2873286 (VCV002873286.3), dbSNP rs2474256901, ClinGen allele CA2739278616.
Genomic context (GRCh38, chr3:184,357,616, plus strand): 5'-GGGCCAAGGAGGAGAGGCCAAGGGCAGGGTTGTGGGGCTGGACTGACCTAGGAGCCCTGC[C>T]TACCTCCAATAGGTGCCGCGAAGCAGCAGCCCACCCCCACGGCACAGGCGGCAGCCAGCA-3'

ClinVar aggregate classification (germline): Uncertain significance (1 of 4 stars; one submission).

Submission:

Labcorp Genetics (formerly Invitae), Labcorp
Classification: Uncertain significance. Last evaluated: 2023-07-17. Review status: criteria provided, single submitter. Criteria: Invitae Variant Classification Sherloc (09022015). Collection method: clinical testing. Allele origin: germline.
Comment: This sequence change falls in intron 7 of the CLCN2 gene. It does not directly change the encoded amino acid sequence of the CLCN2 protein. It affects a nucleotide within the consensus splice site. This variant is not present in population databases (gnomAD no frequency). This variant has not been reported in the literature in individuals affected with CLCN2-related conditions. Variants that disrupt the consensus splice site are a relatively common cause of aberrant splicing (PMID: 17576681, 9536098). Algorithms developed to predict the effect of sequence changes on RNA splicing suggest that this variant is not likely to affect RNA splicing. In summary, the available evidence is currently insufficient to determine the role of this variant in disease. Therefore, it has been classified as a Variant of Uncertain Significance.

Literature cited by the submitters: PubMed 17576681; PubMed 9536098.